The following is an entry in ClinVar:

ClinVar aggregate classification (germline): Likely pathogenic (1 of 4 stars; one submission).

Conditions:
CD2AP-related disorder. Also called: CD2AP-related condition.

Submission:

PreventionGenetics, part of Exact Sciences
Classification: Likely pathogenic for CD2AP-related condition. Last evaluated: 2023-03-28. Review status: criteria provided, single submitter. Criteria: ACMG Guidelines, 2015. Collection method: clinical testing. Allele origin: germline.
Comment: The CD2AP c.1193_1196delCCAG variant is predicted to result in a frameshift and premature protein termination (p.Ala398Valfs*4). To our knowledge, this variant has not been reported in the literature or in a large population database, indicating this variant is rare. Frameshift variants in CD2AP are expected to be pathogenic. This variant is interpreted as likely pathogenic.

NM_012120.3(CD2AP):c.1193_1196del (p.Ala398fs)

Gene: CD2AP (CD2 associated protein; plus strand). Cytogenetic location: 6p12.3.
Variant type: Deletion.
Coding change: c.1193_1196del on transcript NM_012120.3 (MANE Select); coding-DNA positions 1193 to 1196, 4 bases deleted (CCAG; older notation c.1193_1196delCCAG).
Protein change: p.Ala398fs; shifts the reading frame from alanine 398.
Molecular consequence: frameshift variant.
Genome position (GRCh38, 1-based): chr6:47,595,945-47,595,948, CCAG deleted; deleting any 4 consecutive bases within chr6:47,595,943-47,595,948 gives the same sequence; the c. name uses the placement nearest the transcript's 3' end. VCF-style (leftmost placement, unchanged base first): chr6-47595942-AAGCC-A. GRCh37 (hg19) VCF-style: chr6-47563678-AAGCC-A.
Other names: short protein forms A398fs.
Identifiers: ClinVar variation 2633510 (VCV002633510.1), dbSNP rs1768930040, ClinGen allele CA1626448217.